The following is an entry in ClinVar:

ClinVar aggregate classification (germline): Uncertain significance/VUS-mid. Review status: criteria provided, multiple submitters, no conflicts (2 of 4 stars). 12 submissions from 12 submitters: Uncertain significance (9); VUS-mid (1). 2 of the submissions do not count toward it. Last evaluated 2026-08-04.

Conditions:
Cardiovascular phenotype. Identifiers: MedGen CN230736.
Left ventricular noncompaction 10 (LVNC10). Identifiers: Orphanet 154, Orphanet 54260, MedGen C3715165, MONDO:0014163, OMIM 615396.
Cardiomyopathy (CMYO). Also called: Cardiomyopathies. Identifiers: Orphanet 167848, MedGen C0878544, MONDO:0004994, HP:0001638. Inheritance: Various modes of inheritance.
Hypertrophic cardiomyopathy 4. Also called: Familial hypertrophic cardiomyopathy 4. Identifiers: MedGen C1861862, MONDO:0007268, OMIM 115197.
Hypertrophic cardiomyopathy. Also called: HYPERTROPHIC MYOCARDIOPATHY. Identifiers: Orphanet 217569, MedGen C0007194, MeSH D002312, MONDO:0005045, HP:0001639.

Allele frequency attached by ClinVar (database versions not stated): 1000 Genomes Project 0.00020; ESP Exome Variant Server 0.00033; gnomAD 0.00019; 1000 Genomes Project 30x 0.00016; ExAC 0.00016; TOPMed 0.00024.
gnomAD v4.1: 60 of 1,556,254 alleles (0.0039%); highest among the groups gnomAD compares: African/African-American, 0.06%; no homozygotes.

Submissions (12):

GeneDx
Classification: Uncertain significance. Last evaluated: 2026-08-04. Review status: criteria provided, single submitter. Criteria: GeneDx Variant Classification Process June 2021. Collection method: clinical testing. Allele origin: germline.
Comment: In silico analysis supports that this missense variant has a deleterious effect on protein structure/function; This variant is associated with the following publications: (PMID: 34426522, 37652022, 25132132, 35284542)

Labcorp Genetics (formerly Invitae), Labcorp
Classification: Uncertain significance for Hypertrophic cardiomyopathy. Last evaluated: 2026-01-13. Review status: criteria provided, single submitter. Criteria: Invitae Variant Classification Sherloc (09022015). Collection method: clinical testing. Allele origin: germline.
Comment: This sequence change replaces arginine, which is basic and polar, with histidine, which is basic and polar, at codon 895 of the MYBPC3 protein (p.Arg895His). This variant is present in population databases (rs372628478, gnomAD 0.05%), and has an allele count higher than expected for a pathogenic variant. This missense change has been observed in individual(s) with hypertrophic cardiomyopathy (PMID: 25132132, 37652022). ClinVar contains an entry for this variant (Variation ID: 42651). An algorithm developed to predict the effect of missense changes on protein structure and function (PolyPhen-2) suggests that this variant is likely to be disruptive. In summary, the available evidence is currently insufficient to determine the role of this variant in disease. Therefore, it has been classified as a Variant of Uncertain Significance.

Center for Molecular Medicine, Children’s Hospital of Fudan University
Classification: VUS-mid for Left ventricular noncompaction 10. Last evaluated: 2025-12-12. Review status: criteria provided, single submitter. Criteria: ACMG Guidelines 2015. Collection method: clinical testing. Allele origin: unknown. Affected: yes.
Comment: PS4_PP+PM2_PP

All of Us Research Program, National Institutes of Health
Classification: Uncertain significance for Hypertrophic cardiomyopathy. Last evaluated: 2024-07-10. Review status: criteria provided, single submitter. Criteria: ACMG Guidelines, 2015. Collection method: clinical testing. Allele origin: germline. Inheritance: Autosomal dominant inheritance. Observed: 13 variant alleles, 13 heterozygotes.
Comment: This missense variant replaces arginine with histidine at codon 895 of the MYBPC3 protein. Computational prediction is inconclusive regarding the impact of this variant on protein structure and function (internally defined REVEL score threshold 0.5 < inconclusive < 0.7, PMID: 27666373). To our knowledge, functional studies have not been reported for this variant. This variant has been reported in an individual affected with hypertrophic cardiomyopathy (PMID: 25132132) and in an individual affected with dilated cardiomyopathy (PMID: 35284542). This variant has been identified in 16/208502 chromosomes in the general population by the Genome Aggregation Database (gnomAD). The available evidence is insufficient to determine the role of this variant in disease conclusively. Therefore, this variant is classified as a Variant of Uncertain Significance.

This study involves interpretation of variants in research participants for the purpose of population health screening. Participant phenotype was not available at the time of variant classification. Additional details can be found in publication PMID: 35346344, PMCID: PMC8962531

Color Diagnostics, LLC DBA Color Health
Classification: Uncertain significance for Cardiomyopathy. Last evaluated: 2024-05-14. Review status: criteria provided, single submitter. Criteria: ACMG Guidelines, 2015. Collection method: clinical testing. Allele origin: germline.
Comment: This missense variant replaces arginine with histidine at codon 895 of the MYBPC3 protein. Computational prediction tools indicate that this variant has a deleterious impact on protein structure and function. To our knowledge, functional studies have not been reported for this variant. This variant has been reported in one individual affected with hypertrophic cardiomyopathy (PMID: 25132132) and in one individual affected with dilated cardiomyopathy (PMID: 35284542). This variant has been identified in 16/208502 chromosomes in the general population by the Genome Aggregation Database (gnomAD). The available evidence is insufficient to determine the role of this variant in disease conclusively. Therefore, this variant is classified as a Variant of Uncertain Significance.

Clinical Genetics Laboratory, Skane University Hospital Lund
Classification: Uncertain significance. Last evaluated: 2023-09-29. Review status: criteria provided, single submitter. Criteria: ACMG Guidelines, 2015. Collection method: clinical testing. Allele origin: germline. Affected: yes.

Ambry Genetics
Classification: Uncertain significance for Cardiovascular phenotype. Last evaluated: 2022-09-23. Review status: criteria provided, single submitter. Criteria: Ambry Variant Classification Scheme 2023. Collection method: clinical testing. Allele origin: germline.

CHEO Genetics Diagnostic Laboratory, Children's Hospital of Eastern Ontario
Classification: Uncertain significance for Cardiomyopathy. Last evaluated: 2022-04-19. Review status: criteria provided, single submitter. Criteria: ACMG Guidelines, 2015. Collection method: clinical testing. Allele origin: germline.

Mendelics
Classification: Uncertain significance for Hypertrophic cardiomyopathy 4. Last evaluated: 2019-05-28. Review status: criteria provided, single submitter. Criteria: Mendelics Assertion Criteria 2017. Collection method: clinical testing. Allele origin: unknown.

Laboratory for Molecular Medicine, Mass General Brigham Personalized Medicine
Classification: Uncertain significance for Hypertrophic cardiomyopathy. Last evaluated: 2019-04-04. Review status: criteria provided, single submitter. Criteria: ACMG Guidelines, 2015. Collection method: clinical testing. Allele origin: germline.
Comment: The p.Arg895His variant has not been reported in the literature. It has been previously detected in 1/>2,700 probands unknown racial background tested by our laboratory. Arginine (Arg) at amino acid position 895 is highly conserved across evolutionarily distant species, increasing the likelihood that the change is pathogenic. In addition, two computer tools (PolyPhen2 and SIFT) predict this change to be deleterious; however, their accuracy has not been clinically validated. It should be noted that this laboratory has sequenced the MYBPC3 gene in only a limited number of non-Caucasian individuals to date and can therefore not exclude that the Arg895His variant is common on other populations. In summary, the data available so far is consistent with a pathogenic role but additional data (healthy control and familial segregation studies) is needed to determine this with certainty.

Clinical Genetics, Academic Medical Center
Classification: Uncertain significance. Review status: no assertion criteria provided. Collection method: clinical testing. Allele origin: germline. Affected: yes. Study: VKGL Data-share Consensus. Not counted in ClinVar's aggregate classification.

Genome Diagnostics Laboratory, University Medical Center Utrecht
Classification: Uncertain significance. Review status: no assertion criteria provided. Collection method: clinical testing. Allele origin: germline. Affected: yes. Study: VKGL Data-share Consensus. Not counted in ClinVar's aggregate classification.

Literature cited by the submitters: PubMed 25132132 (cited by 3 submitters); PubMed 37652022 (cited by Labcorp Genetics (formerly Invitae), Labcorp); PubMed 35284542 (cited by All of Us Research Program, National Institutes of Health and Color Diagnostics, LLC DBA Color Health).

NM_000256.3(MYBPC3):c.2684G>A (p.Arg895His)

Gene: MYBPC3 (myosin binding protein C3; minus strand). Cytogenetic location: 11p11.2.
Variant type: single nucleotide variant.
Coding change: c.2684G>A on transcript NM_000256.3 (MANE Select); coding-DNA position 2684, G replaced by A.
Protein change: p.Arg895His; replaces arginine 895 with histidine.
Molecular consequence: missense variant.
Genome position (GRCh38, 1-based): chr11:47,335,930, C>T on the plus strand (G>A on the coding strand, the complement: MYBPC3 is on the minus strand). VCF-style: chr11-47335930-C-T. GRCh37 (hg19) VCF-style: chr11-47357481-C-T.
Other names: p.R895H:CGC>CAC; short protein forms R895H.
Identifiers: ClinVar variation 42651 (VCV000042651.32), dbSNP rs372628478, ClinGen allele CA012831.